The following is an entry in ClinVar:

NM_013436.5(NCKAP1):c.1678C>G (p.Pro560Ala)

Gene: NCKAP1 (NCK associated protein 1; minus strand). Cytogenetic location: 2q32.1.
Variant type: single nucleotide variant.
Coding change: c.1678C>G on transcript NM_013436.5 (MANE Select); coding-DNA position 1678, C replaced by G.
Protein change: p.Pro560Ala; replaces proline 560 with alanine.
Molecular consequence: missense variant.
Genome position (GRCh38, 1-based): chr2:182,964,759, G>C on the plus strand (C>G on the coding strand, the complement: NCKAP1 is on the minus strand). VCF-style: chr2-182964759-G-C. GRCh37 (hg19) VCF-style: chr2-183829487-G-C.
Other names: c.1696C>G, p.Pro566Ala (NM_205842.3); short protein forms P560A, P566A.
Identifiers: ClinVar variation 3573564 (VCV003573564.2).
Genomic context (GRCh38, chr2:182,964,759, plus strand): 5'-TGCAACTCATAAAATGAGTGCAAAGTAGTGGAAATGCAATTGAGTATCTTGATTGAGAGG[G>C]TAACTCCAAACACTGTTGAAACATCTTCTCAAAAGCACGACTATAAAAACTATATAAACA-3'
Protein context (NP_038464.1, residues 550-570): EKMFQQCLEL[Pro560Ala]SQSRYSIAFP

ClinVar aggregate classification (germline): Uncertain significance (1 of 4 stars; one submission).

Submission:

GeneDx
Classification: Uncertain significance. Last evaluated: 2025-06-04. Review status: criteria provided, single submitter. Criteria: GeneDx Variant Classification Process June 2021. Collection method: clinical testing. Allele origin: germline.
Comment: Not observed at significant frequency in large population cohorts (gnomAD); In silico analysis supports that this missense variant has a deleterious effect on protein structure/function; Has not been previously published as pathogenic or benign to our knowledge